The following is an entry in ClinVar:

NM_001367805.3(KIF23):c.1512T>C (p.Asp504=)

Gene: KIF23 (kinesin family member 23; plus strand). Cytogenetic location: 15q23.
Variant type: single nucleotide variant.
Coding change: c.1512T>C on transcript NM_001367805.3 (MANE Select); coding-DNA position 1512, T replaced by C.
Protein change: p.Asp504=; no amino-acid change (aspartic acid 504 retained).
Molecular consequence: synonymous variant. On other transcripts: non-coding transcript variant (2).
Genome position (GRCh38, 1-based): chr15:69,436,637, T>C. VCF-style: chr15-69436637-T-C. GRCh37 (hg19) VCF-style: chr15-69728976-T-C.
Other names: c.1140T>C, p.Asp380= (NM_001281301.2); c.1470T>C, p.Asp490= (NM_001367804.2, NM_004856.7, NM_138555.4).
Identifiers: ClinVar variation 769886 (VCV000769886.14), dbSNP rs61750334, ClinGen allele CA7635211.

ClinVar aggregate classification (germline): Likely benign. Review status: criteria provided, multiple submitters, no conflicts (2 of 4 stars). 4 submissions from 4 submitters: Likely benign (4). Last evaluated 2026-03-01.

Allele frequency attached by ClinVar (database versions not stated): 1000 Genomes Project 30x 0.00031; gnomAD 0.00031 and 0.00032; TOPMed 0.00037; ESP Exome Variant Server 0.00038; gnomAD exomes 0.00039 and 0.00052; 1000 Genomes Project 0.00040; ExAC 0.00045.
gnomAD v4.1: 642 of 1,612,512 alleles (0.04%); highest among the groups gnomAD compares: Middle Eastern, 0.46%; no homozygotes.

Submissions (4):

CeGaT Center for Human Genetics Tuebingen
Classification: Likely benign. Last evaluated: 2026-03-01. Review status: criteria provided, single submitter. Criteria: CeGaT Center For Human Genetics Tuebingen Variant Classification Criteria Version 2. Collection method: clinical testing. Allele origin: germline. Affected: yes. Observed: 1 variant allele.
Comment: KIF23: BP4, BP7

Labcorp Genetics (formerly Invitae), Labcorp
Classification: Likely benign. Last evaluated: 2026-02-01. Review status: criteria provided, single submitter. Criteria: Invitae Variant Classification Sherloc (09022015). Collection method: clinical testing. Allele origin: germline.

Blueprint Genetics
Classification: Likely benign. Last evaluated: 2024-11-27. Review status: criteria provided, single submitter. Criteria: ACMG Guidelines, 2015. Collection method: clinical testing. Allele origin: germline.

Breakthrough Genomics
Classification: Likely benign. Review status: criteria provided, single submitter. Criteria: ACMG Guidelines, 2015. Collection method: not provided. Allele origin: germline. Inheritance: Autosomal dominant inheritance. Affected: yes.